The following is an entry in ClinVar:

NM_015338.6(ASXL1):c.136A>G (p.Met46Val)

Gene: ASXL1 (ASXL transcriptional regulator 1; plus strand). Cytogenetic location: 20q11.21.
Variant type: single nucleotide variant.
Coding change: c.136A>G on transcript NM_015338.6 (MANE Select); coding-DNA position 136, A replaced by G.
Protein change: p.Met46Val; replaces methionine 46 with valine.
Molecular consequence: missense variant.
Genome position (GRCh38, 1-based): chr20:32,366,462, A>G. VCF-style: chr20-32366462-A-G. GRCh37 (hg19) VCF-style: chr20-30954265-A-G.
Other names: c.136A>G, p.Met46Val (NM_001164603.1); c.106A>G, p.Met36Val (NM_001363734.1); short protein forms M46V, M36V.
Identifiers: ClinVar variation 4587382 (VCV004587382.2).

ClinVar aggregate classification (germline): Uncertain significance. Review status: criteria provided, multiple submitters, no conflicts (2 of 4 stars). 2 submissions from 2 submitters: Uncertain significance (2). Last evaluated 2025-09-27.

Conditions:
Inborn genetic diseases. Identifiers: MedGen C0950123, MeSH D030342.

gnomAD v4.1: 3 of 1,613,848 alleles (0.00019%); highest among the groups gnomAD compares: Non-Finnish European, 0.00025%; no homozygotes.

Submissions (2):

Ambry Genetics
Classification: Uncertain significance for Inborn genetic diseases. Last evaluated: 2025-09-27. Review status: criteria provided, single submitter. Criteria: Ambry Variant Classification Scheme 2023. Collection method: clinical testing. Allele origin: germline.
Comment: The p.M46V variant (also known as c.136A>G), located in coding exon 2 of the ASXL1 gene, results from an A to G substitution at nucleotide position 136. The methionine at codon 46 is replaced by valine, an amino acid with highly similar properties. This amino acid position is conserved. In addition, this alteration is predicted to be tolerated by in silico analysis. Based on the available evidence, the clinical significance of this variant remains unclear.

Blueprint Genetics
Classification: Uncertain significance. Last evaluated: 2024-03-01. Review status: criteria provided, single submitter. Criteria: ACMG Guidelines, 2015. Collection method: clinical testing. Allele origin: germline.